The following is an entry in ClinVar:

ClinVar aggregate classification (germline): Uncertain significance. Review status: criteria provided, multiple submitters, no conflicts (2 of 4 stars). 2 submissions from 2 submitters: Uncertain significance (2). Last evaluated 2025-12-03.

Allele frequency attached by ClinVar (database versions not stated): gnomAD exomes 0.00005; TOPMed 0.00005; gnomAD 0.00011 and 0.00010; ExAC 0.00005.

Submissions (2):

Labcorp Genetics (formerly Invitae), Labcorp
Classification: Uncertain significance. Last evaluated: 2025-12-03. Review status: criteria provided, single submitter. Criteria: Invitae Variant Classification Sherloc (09022015). Collection method: clinical testing. Allele origin: germline.
Comment: This sequence change replaces valine, which is neutral and non-polar, with methionine, which is neutral and non-polar, at codon 217 of the KLF10 protein (p.Val217Met). This variant is present in population databases (rs769948734, gnomAD 0.009%). This variant has not been reported in the literature in individuals affected with KLF10-related conditions. ClinVar contains an entry for this variant (Variation ID: 1392104). An algorithm developed to predict the effect of missense changes on protein structure and function (PolyPhen-2) suggests that this variant is likely to be tolerated. In summary, the available evidence is currently insufficient to determine the role of this variant in disease. Therefore, it has been classified as a Variant of Uncertain Significance.

Ambry Genetics
Classification: Uncertain significance. Last evaluated: 2025-08-20. Review status: criteria provided, single submitter. Criteria: Ambry Variant Classification Scheme 2023. Collection method: clinical testing. Allele origin: germline.

NM_005655.4(KLF10):c.649G>A (p.Val217Met)

Gene: KLF10 (KLF transcription factor 10; minus strand). Cytogenetic location: 8q22.3.
Variant type: single nucleotide variant.
Coding change: c.649G>A on transcript NM_005655.4 (MANE Select); coding-DNA position 649, G replaced by A.
Protein change: p.Val217Met; replaces valine 217 with methionine.
Molecular consequence: missense variant.
Genome position (GRCh38, 1-based): chr8:102,651,683, C>T on the plus strand (G>A on the coding strand, the complement: KLF10 is on the minus strand). VCF-style: chr8-102651683-C-T. GRCh37 (hg19) VCF-style: chr8-103663911-C-T.
Other names: c.616G>A, p.Val206Met (NM_001032282.4); c.649G>A (NM_005655.2); short protein forms V217M, V206M.
Identifiers: ClinVar variation 1392104 (VCV001392104.8), dbSNP rs769948734, ClinGen allele CA4833562.
Genomic context (GRCh38, chr8:102,651,683, plus strand): 5'-CTGAGGAAGGCACAGAAAAGTCATAAAGTGCAGCACTTGCTTTCTCATCAACATCTGCCA[C>T]TGTGTTTCTCTCACATTTGGATCTGTTTGGTGACACAGCGGCACATGGTATGTTCTTTCT-3'
Protein context (NP_005646.1, residues 207-227): PNRSKCERNT[Val217Met]ADVDEKASAA